The following is an entry in ClinVar:

ClinVar aggregate classification (germline): Uncertain significance (1 of 4 stars; one submission).

Conditions:
Dilated cardiomyopathy 1G (CMD1G). Identifiers: Orphanet 154, MedGen C1858763, MONDO:0011400, OMIM 604145.
Autosomal recessive limb-girdle muscular dystrophy type 2J (LGMDR10). Also called: Limb-girdle muscular dystrophy, type 2J; MUSCULAR DYSTROPHY, LIMB-GIRDLE, AUTOSOMAL RECESSIVE 10. Identifiers: Orphanet 140922, MedGen C1837342, MONDO:0012127, OMIM 608807.

Allele frequency attached by ClinVar (database versions not stated): ExAC 0.00001; gnomAD 0.00001; TOPMed 0.00001.
gnomAD v4.1: 50 of 1,613,872 alleles (0.0031%); highest among the groups gnomAD compares: Non-Finnish European, 0.0042%; no homozygotes.

Submission:

Labcorp Genetics (formerly Invitae), Labcorp
Classification: Uncertain significance for Dilated cardiomyopathy 1G; Autosomal recessive limb-girdle muscular dystrophy type 2J. Last evaluated: 2025-05-13. Review status: criteria provided, single submitter. Criteria: Invitae Variant Classification Sherloc (09022015). Collection method: clinical testing. Allele origin: germline.
Comment: This sequence change replaces aspartic acid, which is acidic and polar, with glycine, which is neutral and non-polar, at codon 34725 of the TTN protein (p.Asp34725Gly). This variant is present in population databases (rs771698375, gnomAD 0.0009%). This variant has not been reported in the literature in individuals affected with TTN-related conditions. ClinVar contains an entry for this variant (Variation ID: 2074669). Experimental studies and prediction algorithms are not available or were not evaluated, and the functional significance of this variant is currently unknown. This variant is located in the M band of TTN (PMID: 25589632). Non-truncating variants in this region may be relevant for neuromuscular disorders, but have not been definitively shown to cause cardiomyopathy (PMID: 23975875). In summary, the available evidence is currently insufficient to determine the role of this variant in disease. Therefore, it has been classified as a Variant of Uncertain Significance.

Literature cited by the submitters: PubMed 25589632; PubMed 23975875.

NM_001267550.2(TTN):c.104174A>G (p.Asp34725Gly)

Genes: TTN (titin; minus strand), TTN-AS1 (TTN antisense RNA 1; plus strand). Cytogenetic location: 2q31.2.
Variant type: single nucleotide variant.
Coding change: c.104174A>G on transcript NM_001267550.2 (MANE Select); coding-DNA position 104174, A replaced by G.
Protein change: p.Asp34725Gly; replaces aspartic acid 34725 with glycine.
Molecular consequence: missense variant.
Genome position (GRCh38, 1-based): chr2:178,532,441, T>C on the plus strand (A>G on the coding strand, the complement: TTN is on the minus strand). VCF-style: chr2-178532441-T-C. GRCh37 (hg19) VCF-style: chr2-179397168-T-C.
Other names: c.99251A>G, p.Asp33084Gly (NM_001256850.1); c.76979A>G, p.Asp25660Gly (NM_003319.4); c.96470A>G, p.Asp32157Gly (NM_133378.4); c.77354A>G, p.Asp25785Gly (NM_133432.3); c.77555A>G, p.Asp25852Gly (NM_133437.4); short protein forms D34725G, D25852G, D32157G, D25660G, D25785G, D33084G.
Identifiers: ClinVar variation 2074669 (VCV002074669.4), dbSNP rs771698375, ClinGen allele CA1985469.